The following is an entry in ClinVar:

NM_007208.4(MRPL3):c.278-4C>T

Gene: MRPL3 (mitochondrial ribosomal protein L3; minus strand). Cytogenetic location: 3q22.1.
Variant type: single nucleotide variant.
Coding change: c.278-4C>T on transcript NM_007208.4 (MANE Select); 4 bases into the intron before coding-DNA position 278, C replaced by T.
Molecular consequence: intron variant.
Genome position (GRCh38, 1-based): chr3:131,500,525, G>A on the plus strand (C>T on the coding strand, the complement: MRPL3 is on the minus strand). VCF-style: chr3-131500525-G-A. GRCh37 (hg19) VCF-style: chr3-131219369-G-A.
Identifiers: ClinVar variation 3050878 (VCV003050878.2), dbSNP rs779441494, ClinGen allele CA2617180.

ClinVar aggregate classification (germline): Likely benign (0 of 4 stars; one submission).

Conditions:
MRPL3-related disorder. Also called: MRPL3-related condition.

Allele frequency attached by ClinVar (database versions not stated): gnomAD exomes below 0.00001; ExAC 0.00001; gnomAD 0.00001.
gnomAD v4.1: 3 of 1,612,018 alleles (0.00019%); highest among the groups gnomAD compares: Admixed American, 0.005%; no homozygotes.

Submission:

PreventionGenetics, part of Exact Sciences
Classification: Likely benign for MRPL3-related condition. Last evaluated: 2020-01-27. Review status: no assertion criteria provided. Collection method: clinical testing. Allele origin: germline.
Comment: This variant is classified as likely benign based on ACMG/AMP sequence variant interpretation guidelines (Richards et al. 2015 PMID: 25741868, with internal and published modifications).